The following is an entry in ClinVar:

NM_020070.4(IGLL1):c.392C>T (p.Ala131Val)

Gene: IGLL1 (immunoglobulin lambda like polypeptide 1; minus strand). Cytogenetic location: 22q11.23.
Variant type: single nucleotide variant.
Coding change: c.392C>T on transcript NM_020070.4 (MANE Select); coding-DNA position 392, C replaced by T.
Protein change: p.Ala131Val; replaces alanine 131 with valine.
Molecular consequence: missense variant. On other transcripts: 3 prime UTR variant (1).
Genome position (GRCh38, 1-based): chr22:23,573,516, G>A on the plus strand (C>T on the coding strand, the complement: IGLL1 is on the minus strand). VCF-style: chr22-23573516-G-A. GRCh37 (hg19) VCF-style: chr22-23915703-G-A.
Other names: c.395C>T, p.Ala132Val (NM_001369906.1); c.*21C>T (NM_152855.3); short protein forms A132V, A131V.
Identifiers: ClinVar variation 2707126 (VCV002707126.3), dbSNP rs766919157, ClinGen allele CA10143285.

ClinVar aggregate classification (germline): Uncertain significance (1 of 4 stars; one submission).

Conditions:
Agammaglobulinemia 2, autosomal recessive (AGM2). Also called: AGAMMAGLOBULINEMIA, AUTOSOMAL RECESSIVE, DUE TO IGLL1 DEFECT. Identifiers: MedGen C3150750, MONDO:0013287, OMIM 613500.

Allele frequency attached by ClinVar (database versions not stated): TOPMed below 0.00001; gnomAD 0.00001; gnomAD exomes 0.00001; ExAC 0.00003.

Submission:

Labcorp Genetics (formerly Invitae), Labcorp
Classification: Uncertain significance for Agammaglobulinemia 2, autosomal recessive. Last evaluated: 2023-06-30. Review status: criteria provided, single submitter. Criteria: Invitae Variant Classification Sherloc (09022015). Collection method: clinical testing. Allele origin: germline.
Comment: In summary, the available evidence is currently insufficient to determine the role of this variant in disease. Therefore, it has been classified as a Variant of Uncertain Significance. An algorithm developed to predict the effect of missense changes on protein structure and function (PolyPhen-2) suggests that this variant is likely to be disruptive. This variant has not been reported in the literature in individuals affected with IGLL1-related conditions. This variant is present in population databases (rs766919157, gnomAD 0.01%). This sequence change replaces alanine, which is neutral and non-polar, with valine, which is neutral and non-polar, at codon 131 of the IGLL1 protein (p.Ala131Val).